The following is an entry in ClinVar:

NM_001267550.2(TTN):c.44154+2T>C

Gene: TTN (titin; minus strand). Cytogenetic location: 2q31.2.
Variant type: single nucleotide variant.
Coding change: c.44154+2T>C on transcript NM_001267550.2 (MANE Select); the canonical splice donor site of the intron after coding-DNA position 44154, T replaced by C.
Molecular consequence: splice donor variant.
Genome position (GRCh38, 1-based): chr2:178,630,802, A>G on the plus strand (T>C on the coding strand, the complement: TTN is on the minus strand). VCF-style: chr2-178630802-A-G. GRCh37 (hg19) VCF-style: chr2-179495529-A-G.
Other names: c.16959+2T>C (NM_003319.4); c.17535+2T>C (NM_133437.4); c.17334+2T>C (NM_133432.3); c.36450+2T>C (NM_133378.4); c.39231+2T>C (NM_001256850.1).
Identifiers: ClinVar variation 1778213 (VCV001778213.3), dbSNP rs2471400968, ClinGen allele CA349645847.

ClinVar aggregate classification (germline): Uncertain significance (1 of 4 stars; one submission).

Conditions:
Cardiovascular phenotype. Identifiers: MedGen CN230736.

Submission:

Ambry Genetics
Classification: Uncertain significance for Cardiovascular phenotype. Last evaluated: 2025-05-02. Review status: criteria provided, single submitter. Criteria: Ambry Variant Classification Scheme 2023. Collection method: clinical testing. Allele origin: germline.
Comment: The c.16959+2T>C intronic variant results from a T to C substitution two nucleotides after coding exon 65 in the TTN gene. Exon 65 is located in the I-band region of the N2-B isoform of the titin protein and is constitutively expressed in TTN transcripts (percent spliced in or PSI 100%). This nucleotide position is highly conserved in available vertebrate species. In silico splice site analysis predicts that this alteration will weaken the native splice donor site. Alterations that disrupt the canonical splice site are expected to cause aberrant splicing, resulting in an abnormal protein or a transcript that is subject to nonsense-mediated mRNA decay; however, +2T>C alterations are capable of generating wild-type transcripts in some genomic contexts and should be interpreted with caution (Lin JH et al. Hum Mutat. 2019 10;40:1856-1873). Based on the available evidence, the clinical significance of this variant remains unclear.